The following is an entry in ClinVar:

NM_000051.4(ATM):c.2551G>T (p.Asp851Tyr)

Gene: ATM (ATM serine/threonine kinase; plus strand). Cytogenetic location: 11q22.3.
Variant type: single nucleotide variant.
Coding change: c.2551G>T on transcript NM_000051.4 (MANE Select); coding-DNA position 2551, G replaced by T.
Protein change: p.Asp851Tyr; replaces aspartic acid 851 with tyrosine.
Molecular consequence: missense variant.
Genome position (GRCh38, 1-based): chr11:108,267,255, G>T. VCF-style: chr11-108267255-G-T. GRCh37 (hg19) VCF-style: chr11-108137982-G-T.
Other names: c.2551G>T, p.Asp851Tyr (NM_001351834.2); short protein forms D851Y.
Identifiers: ClinVar variation 3802851 (VCV003802851.1).

ClinVar aggregate classification (germline): Uncertain significance (1 of 4 stars; one submission).

Conditions:
Hereditary cancer-predisposing syndrome. Also called: Neoplastic Syndromes, Hereditary; Hereditary Cancer Syndrome; Tumor predisposition; Hereditary neoplastic syndrome. Identifiers: Orphanet 140162, MedGen C0027672, MeSH D009386, MONDO:0015356.

Submission:

Ambry Genetics
Classification: Uncertain significance for Hereditary cancer-predisposing syndrome. Last evaluated: 2025-02-19. Review status: criteria provided, single submitter. Criteria: Ambry Variant Classification Scheme 2023. Collection method: clinical testing. Allele origin: germline.
Comment: The p.D851Y variant (also known as c.2551G>T), located in coding exon 16 of the ATM gene, results from a G to T substitution at nucleotide position 2551. The aspartic acid at codon 851 is replaced by tyrosine, an amino acid with highly dissimilar properties. This amino acid position is conserved. In addition, this alteration is predicted to be tolerated by in silico analysis. Based on the available evidence, the clinical significance of this variant remains unclear.